The following is an entry in ClinVar:

ClinVar aggregate classification (germline): Uncertain significance (1 of 4 stars; one submission).

Submission:

Labcorp Genetics (formerly Invitae), Labcorp
Classification: Uncertain significance. Last evaluated: 2022-06-30. Review status: criteria provided, single submitter. Criteria: Invitae Variant Classification Sherloc (09022015). Collection method: clinical testing. Allele origin: germline.
Comment: Algorithms developed to predict the effect of missense changes on protein structure and function are either unavailable or do not agree on the potential impact of this missense change (SIFT: "Tolerated"; PolyPhen-2: "Probably Damaging"; Align-GVGD: "Class C0"). In summary, the available evidence is currently insufficient to determine the role of this variant in disease. Therefore, it has been classified as a Variant of Uncertain Significance. This variant has not been reported in the literature in individuals affected with HMX1-related conditions. This variant is not present in population databases (gnomAD no frequency). This sequence change replaces glycine, which is neutral and non-polar, with glutamic acid, which is acidic and polar, at codon 322 of the HMX1 protein (p.Gly322Glu).

NM_018942.3(HMX1):c.965G>A (p.Gly322Glu)

Gene: HMX1 (H6 family homeobox 1; minus strand). Cytogenetic location: 4p16.1.
Variant type: single nucleotide variant.
Coding change: c.965G>A on transcript NM_018942.3 (MANE Select); coding-DNA position 965, G replaced by A.
Protein change: p.Gly322Glu; replaces glycine 322 with glutamic acid.
Molecular consequence: missense variant. On other transcripts: intron variant (1).
Genome position (GRCh38, 1-based): chr4:8,867,775, C>T on the plus strand (G>A on the coding strand, the complement: HMX1 is on the minus strand). VCF-style: chr4-8867775-C-T. GRCh37 (hg19) VCF-style: chr4-8869501-C-T.
Other names: c.394+3446G>A (NM_001306142.2); short protein forms G322E.
Identifiers: ClinVar variation 2012544 (VCV002012544.4), dbSNP rs2474392128, ClinGen allele CA356277358.